The following is an entry in ClinVar:

NM_007325.5(GRIA3):c.674G>A (p.Arg225Lys)

Gene: GRIA3 (glutamate ionotropic receptor AMPA type subunit 3; plus strand). Cytogenetic location: Xq25.
Variant type: single nucleotide variant.
Coding change: c.674G>A on transcript NM_007325.5 (MANE Select); coding-DNA position 674, G replaced by A.
Protein change: p.Arg225Lys; replaces arginine 225 with lysine.
Molecular consequence: missense variant.
Genome position (GRCh38, 1-based): chrX:123,326,191, G>A. VCF-style: chrX-123326191-G-A. GRCh37 (hg19) VCF-style: chrX-122460042-G-A.
Other names: c.674G>A, p.Arg225Lys (NM_000828.5); short protein forms R225K.
Identifiers: ClinVar variation 3681883 (VCV003681883.2).

ClinVar aggregate classification (germline): Uncertain significance (1 of 4 stars; one submission).

gnomAD v4.1: 1 of 1,208,588 alleles (0.000083%); highest among the groups gnomAD compares: Admixed American, 0.0022%; no homozygotes.

Submission:

Labcorp Genetics (formerly Invitae), Labcorp
Classification: Uncertain significance. Last evaluated: 2024-02-29. Review status: criteria provided, single submitter. Criteria: Invitae Variant Classification Sherloc (09022015). Collection method: clinical testing. Allele origin: germline.
Comment: This sequence change replaces arginine, which is basic and polar, with lysine, which is basic and polar, at codon 225 of the GRIA3 protein (p.Arg225Lys). This variant is not present in population databases (gnomAD no frequency). This variant has not been reported in the literature in individuals affected with GRIA3-related conditions. An algorithm developed to predict the effect of missense changes on protein structure and function (PolyPhen-2) suggests that this variant is likely to be disruptive. In summary, the available evidence is currently insufficient to determine the role of this variant in disease. Therefore, it has been classified as a Variant of Uncertain Significance.